The following is an entry in ClinVar:

ClinVar aggregate classification (germline): Benign/Likely benign. Review status: criteria provided, multiple submitters, no conflicts (2 of 4 stars). 2 submissions from 2 submitters: Benign (1); Likely benign (1). Last evaluated 2026-08-03.

Conditions:
Familial colorectal cancer type X. Identifiers: Orphanet 440437, MedGen C3896578, MONDO:0018604.

Allele frequency attached by ClinVar (database versions not stated): TOPMed below 0.00001; ExAC 0.00001; ESP Exome Variant Server 0.00008.

Submissions (2):

Myriad Genetics, Inc.
Classification: Benign for Familial colorectal cancer type X. Last evaluated: 2026-08-03. Review status: criteria provided, single submitter. Criteria: Myriad Autosomal Dominant, Autosomal Recessive and X-Linked Classification Criteria (2023). Collection method: clinical testing. Allele origin: unknown.
Comment: This variant is considered benign. This variant is a silent/synonymous amino acid change and it is not expected to impact splicing.

Ambry Genetics
Classification: Likely benign. Last evaluated: 2023-01-08. Review status: criteria provided, single submitter. Criteria: Ambry Variant Classification Scheme 2023. Collection method: clinical testing. Allele origin: germline.

NM_001023.4(RPS20):c.24A>G (p.Lys8=)

Gene: RPS20 (ribosomal protein S20; minus strand). Cytogenetic location: 8q12.1.
Variant type: single nucleotide variant.
Coding change: c.24A>G on transcript NM_001023.4 (MANE Select); coding-DNA position 24, A replaced by G.
Protein change: p.Lys8=; no amino-acid change (lysine 8 retained).
Molecular consequence: synonymous variant.
Genome position (GRCh38, 1-based): chr8:56,074,139, T>C on the plus strand (A>G on the coding strand, the complement: RPS20 is on the minus strand). VCF-style: chr8-56074139-T-C. GRCh37 (hg19) VCF-style: chr8-56986698-T-C.
Other names: c.24A>G, p.Lys8= (NM_001146227.3).
Identifiers: ClinVar variation 2488528 (VCV002488528.3), dbSNP rs377514890, ClinGen allele CA4754469.